The following is an entry in ClinVar:

ClinVar aggregate classification (germline): Likely benign (1 of 4 stars; one submission).

Allele frequency attached by ClinVar (database versions not stated): 1000 Genomes Project 30x 0.00016.
gnomAD v4.1: 1 of 456,254 alleles (0.00022%); highest among the groups gnomAD compares: East Asian, 0.0069%; no homozygotes.

Submission:

GeneDx
Classification: Likely benign. Last evaluated: 2016-05-06. Review status: criteria provided, single submitter. Criteria: GeneDx Variant Classification (06012015). Collection method: clinical testing. Allele origin: germline. Affected: yes.
Comment: This variant is considered likely benign or benign based on one or more of the following criteria: it is a conservative change, it occurs at a poorly conserved position in the protein, it is predicted to be benign by multiple in silico algorithms, and/or has population frequency not consistent with disease.

NM_007294.4(BRCA1):c.-25G>A

Genes: BRCA1 (BRCA1 DNA repair associated; minus strand), LOC111589215 (BRCA1 promoter region; plus strand). Cytogenetic location: 17q21.31.
Variant type: single nucleotide variant.
Coding change: c.-25G>A on transcript NM_007294.4 (MANE Select); 25 bases upstream of the start codon, G replaced by A.
Molecular consequence: 5 prime UTR variant. On other transcripts: intron variant (1), splice donor variant (140).
Genome position (GRCh38, 1-based): chr17:43,125,276, C>T on the plus strand (G>A on the coding strand, the complement: BRCA1 is on the minus strand). VCF-style: chr17-43125276-C-T. GRCh37 (hg19) VCF-style: chr17-41277293-C-T.
Other names: c.-302G>A (NM_001407571.1, NM_001407879.1, NM_001407907.1 and 4 more transcripts); c.-25G>A (NM_001407581.1, NM_001407590.1, NM_001407611.1 and 46 more transcripts); c.-114G>A (NM_001407582.1, NM_001407597.1, NM_001407612.1 and 20 more transcripts); c.-559G>A (NM_001407583.1, NM_001407591.1, NM_001407594.1 and 32 more transcripts); c.-12G>A (NM_001407585.1, NM_001407602.1, NM_001407622.1 and 8 more transcripts); c.-1180G>A (NM_001407593.1, NM_001407610.1, NM_001407621.1 and 6 more transcripts); c.-546G>A (NM_001407605.1, NM_001407623.1); c.-13G>A (NM_001407692.1, NM_001408457.1, NM_001408511.1); and 55 more.
Identifiers: ClinVar variation 380721 (VCV000380721.1), dbSNP rs1057520890, ClinGen allele CA16607649.